The following is an entry in ClinVar:

NM_001042492.3(NF1):c.396del (p.Glu133fs)

Gene: NF1 (neurofibromin 1; plus strand). Cytogenetic location: 17q11.2.
Variant type: Deletion.
Coding change: c.396del on transcript NM_001042492.3 (MANE Select); coding-DNA position 396, one base deleted (T; older notation c.396delT).
Protein change: p.Glu133fs; shifts the reading frame from glutamic acid 133.
Molecular consequence: frameshift variant.
Genome position (GRCh38, 1-based): chr17:31,163,293, T deleted. VCF-style (leftmost placement, unchanged base first): chr17-31163292-CT-C. GRCh37 (hg19) VCF-style: chr17-29490310-CT-C.
Other names: c.396delT, p.Glu133Asnfs (NM_000267.4); c.396del, p.Glu133fs (NM_001128147.3); short protein forms E133fs.
Identifiers: ClinVar variation 1435329 (VCV001435329.6), dbSNP rs2143672476, ClinGen allele CA2573153581.

ClinVar aggregate classification (germline): Pathogenic (1 of 4 stars; one submission).

Conditions:
Neurofibromatosis, type 1 (NF1). Also called: Peripheral type neurofibromatosis; VON RECKLINGHAUSEN DISEASE; NEUROFIBROMATOSIS, TYPE I, SOMATIC; Neurofibromatosis, type I. Identifiers: Orphanet 636, MedGen C0027831, MONDO:0018975, OMIM 162200. Disease mechanism: loss of function.

Submission:

Labcorp Genetics (formerly Invitae), Labcorp
Classification: Pathogenic for Neurofibromatosis, type 1. Last evaluated: 2021-08-06. Review status: criteria provided, single submitter. Criteria: Invitae Variant Classification Sherloc (09022015). Collection method: clinical testing. Allele origin: germline.
Comment: This sequence change creates a premature translational stop signal (p.Glu133Asnfs*32) in the NF1 gene. It is expected to result in an absent or disrupted protein product. Loss-of-function variants in NF1 are known to be pathogenic (PMID: 10712197, 23913538). This variant is not present in population databases (ExAC no frequency). This variant has not been reported in the literature in individuals affected with NF1-related conditions. For these reasons, this variant has been classified as Pathogenic.

Literature cited by the submitters: PubMed 10712197; PubMed 23913538.